The following is an entry in ClinVar:

ClinVar aggregate classification (germline): Pathogenic. Review status: criteria provided, multiple submitters, no conflicts (2 of 4 stars). 2 submissions from 2 submitters: Pathogenic (2). Last evaluated 2024-03-04.

Submissions (2):

Labcorp Genetics (formerly Invitae), Labcorp
Classification: Pathogenic. Last evaluated: 2024-03-04. Review status: criteria provided, single submitter. Criteria: Invitae Variant Classification Sherloc (09022015). Collection method: clinical testing. Allele origin: germline.
Comment: This sequence change creates a premature translational stop signal (p.Ser3646Metfs*27) in the ADGRV1 gene. It is expected to result in an absent or disrupted protein product. Loss-of-function variants in ADGRV1 are known to be pathogenic (PMID: 19357117, 22135276, 22147658, 26226137, 30718709, 31047384, 32467589). This variant is not present in population databases (gnomAD no frequency). This premature translational stop signal has been observed in individual(s) with Usher syndrome (PMID: 22147658). ClinVar contains an entry for this variant (Variation ID: 1012516). For these reasons, this variant has been classified as Pathogenic.

CeGaT Center for Human Genetics Tuebingen
Classification: Pathogenic. Last evaluated: 2024-03-01. Review status: criteria provided, single submitter. Criteria: CeGaT Center For Human Genetics Tuebingen Variant Classification Criteria Version 2. Collection method: clinical testing. Allele origin: germline. Affected: yes. Observed: 3 variant alleles.
Comment: ADGRV1: PVS1, PM2, PM3:Supporting

Literature cited by the submitters: PubMed 19357117 (cited by Labcorp Genetics (formerly Invitae), Labcorp); PubMed 22135276 (cited by Labcorp Genetics (formerly Invitae), Labcorp); PubMed 22147658 (cited by Labcorp Genetics (formerly Invitae), Labcorp); PubMed 26226137 (cited by Labcorp Genetics (formerly Invitae), Labcorp); PubMed 30718709 (cited by Labcorp Genetics (formerly Invitae), Labcorp); PubMed 31047384 (cited by Labcorp Genetics (formerly Invitae), Labcorp); PubMed 32467589 (cited by Labcorp Genetics (formerly Invitae), Labcorp).

NM_032119.4(ADGRV1):c.10935_10938del (p.Ser3646fs)

Gene: ADGRV1 (adhesion G protein-coupled receptor V1; plus strand). Cytogenetic location: 5q14.3.
Variant type: Deletion.
Coding change: c.10935_10938del on transcript NM_032119.4 (MANE Select); coding-DNA positions 10935 to 10938, 4 bases deleted (GTCT; older notation c.10935_10938delGTCT).
Protein change: p.Ser3646fs; shifts the reading frame from serine 3646.
Molecular consequence: frameshift variant. On other transcripts: non-coding transcript variant (1).
Genome position (GRCh38, 1-based): chr5:90,745,756-90,745,759, GTCT deleted; deleting any 4 consecutive bases within chr5:90,745,753-90,745,759 gives the same sequence; the c. name uses the placement nearest the transcript's 3' end. VCF-style (leftmost placement, unchanged base first): chr5-90745752-TTCTG-T. GRCh37 (hg19) VCF-style: chr5-90041569-TTCTG-T.
Other names: short protein forms S3646fs.
Identifiers: ClinVar variation 1012516 (VCV001012516.42), dbSNP rs1754555183, ClinGen allele CA1562882127.